The following is an entry in ClinVar:

NM_001365536.1(SCN9A):c.2220T>G (p.Ile740Met)

Genes: SCN9A (sodium voltage-gated channel alpha subunit 9; minus strand), SCN1A-AS1 (SCN1A and SCN9A antisense RNA 1; plus strand). Cytogenetic location: 2q24.3.
Variant type: single nucleotide variant.
Coding change: c.2220T>G on transcript NM_001365536.1 (MANE Select); coding-DNA position 2220, T replaced by G.
Protein change: p.Ile740Met; replaces isoleucine 740 with methionine.
Molecular consequence: missense variant.
Genome position (GRCh38, 1-based): chr2:166,280,480, A>C on the plus strand (T>G on the coding strand, the complement: SCN9A is on the minus strand). VCF-style: chr2-166280480-A-C. GRCh37 (hg19) VCF-style: chr2-167136990-A-C.
Other names: c.2187T>G, p.Ile729Met (NM_002977.4); short protein forms I729M, I740M.
Identifiers: ClinVar variation 289843 (VCV000289843.16), dbSNP rs375688386, ClinGen allele CA1944308.
Genomic context (GRCh38, chr2:166,280,480, plus strand): 5'-AAATAATGTGTTTAAAACTATGCAAATGGTAATTGCAAGATCTACAAAAGGATCCATTAC[A>C]ATAAAATAGATACACTTTTTGAATTTTATCCAATATGGAGAGCAATTCCAGATCAAGAAT-3'
Protein context (NP_001352465.1, residues 730-750): WIKFKKCIYF[Ile740Met]VMDPFVDLAI

ClinVar aggregate classification (germline): Uncertain significance. Review status: criteria provided, multiple submitters, no conflicts (2 of 4 stars). 4 submissions from 4 submitters: Uncertain significance (4). Last evaluated 2025-07-27.

Conditions:
Inborn genetic diseases. Identifiers: MedGen C0950123, MeSH D030342.
Neuropathy, hereditary sensory and autonomic, type 2A (HSAN2A). Also called: MORVAN DISEASE; NEUROPATHY, CONGENITAL SENSORY; NEUROPATHY, HEREDITARY SENSORY RADICULAR, AUTOSOMAL RECESSIVE; NEUROPATHY, HEREDITARY SENSORY, TYPE IIA; NEUROPATHY, PROGRESSIVE SENSORY, OF CHILDREN; WNK1-Related HSAN2 (HSAN2A). Identifiers: Orphanet 970, MedGen C2752089, MONDO:0024309, OMIM 201300.
Generalized epilepsy with febrile seizures plus, type 7 (GEFSP7). Also called: GEFS+, TYPE 7. Identifiers: Orphanet 36387, MedGen C2751778, MONDO:0013470, OMIM 613863.

Allele frequency attached by ClinVar (database versions not stated): gnomAD exomes below 0.00001 and 0.00002; ExAC 0.00007; gnomAD 0.00012 and 0.00016; TOPMed 0.00012; ESP Exome Variant Server 0.00017.
gnomAD v4.1: 20 of 1,585,590 alleles (0.0013%); highest among the groups gnomAD compares: African/African-American, 0.027%; no homozygotes.

Submissions (5):

Labcorp Genetics (formerly Invitae), Labcorp
Classification: Uncertain significance for Neuropathy, hereditary sensory and autonomic, type 2A; Generalized epilepsy with febrile seizures plus, type 7. Last evaluated: 2025-07-27. Review status: criteria provided, single submitter. Criteria: Invitae Variant Classification Sherloc (09022015). Collection method: clinical testing. Allele origin: germline.
Comment: This sequence change replaces isoleucine, which is neutral and non-polar, with methionine, which is neutral and non-polar, at codon 729 of the SCN9A protein (p.Ile729Met). This variant is present in population databases (rs375688386, gnomAD 0.05%). This variant has not been reported in the literature in individuals affected with SCN9A-related conditions. ClinVar contains an entry for this variant (Variation ID: 289843). Invitae Evidence Modeling of protein sequence and biophysical properties (such as structural, functional, and spatial information, amino acid conservation, physicochemical variation, residue mobility, and thermodynamic stability) indicates that this missense variant is not expected to disrupt SCN9A protein function with a negative predictive value of 95%. In summary, the available evidence is currently insufficient to determine the role of this variant in disease. Therefore, it has been classified as a Variant of Uncertain Significance.

Ambry Genetics
Classification: Uncertain significance for Inborn genetic diseases. Last evaluated: 2024-10-12. Review status: criteria provided, single submitter. Criteria: Ambry Variant Classification Scheme 2023. Collection method: clinical testing. Allele origin: germline.

GeneDx
Classification: Uncertain significance. Last evaluated: 2017-04-13. Review status: criteria provided, single submitter. Criteria: GeneDx Variant Classification (06012015). Collection method: clinical testing. Allele origin: germline. Affected: yes.
Comment: A variant of uncertain significance has been identified in the SCN9A gene. The c.2187 T>G variant has not been published as a pathogenic variant, nor has it been reported as a benign variant to our knowledge. The c.2187 T>G variant is observed in 3/4574 (0.1%) alleles from individuals of African background, (Lek et al., 2016; 1000 Genomes Consortium et al., 2015; Exome Variant Server). Several in-silico splice prediction models predict that c.2187 T>G creates a cryptic donor site which may supplant the natural donor site and lead to abnormal gene splicing. However, in the absence of RNA/functional studies, the actual effect of this sequence change in this individual is unknown. If c.2187 T>G does not effect splicing, it will result in a I729M missense variant. The I729M variant is a conservative amino acid substitution, which is not likely to impact secondary protein structure as these residues share similar properties. This substitution occurs at a position that is conserved in mammals.In silico analysis is inconsistent in its predictions as to whether or not the variant is damaging to the protein structure/function. Therefore, based on the currently available information, it is unclear whether this variant is a pathogenic variant or a rare benign variant.

Eurofins Ntd Llc (ga)
Classification: Uncertain significance. Last evaluated: 2016-08-26. Review status: criteria provided, single submitter. Criteria: EGL Classification Definitions 2015. Collection method: clinical testing. Allele origin: germline. Observed: 1 variant allele, 1 heterozygote.

Dr. Peter K. Rogan Lab, Western University
No classification provided (evidence only). Condition: Familial cancer of breast. Review status: no classification provided. Collection method: in vitro. Allele origin: not applicable. Functional consequence: retained intron. Not counted in ClinVar's aggregate classification.